The following is an entry in ClinVar:

ClinVar aggregate classification (germline): Uncertain significance (1 of 4 stars; one submission).

Submission:

CeGaT Center for Human Genetics Tuebingen
Classification: Uncertain significance. Last evaluated: 2025-04-01. Review status: criteria provided, single submitter. Criteria: CeGaT Center For Human Genetics Tuebingen Variant Classification Criteria Version 2. Collection method: clinical testing. Allele origin: germline. Affected: yes. Observed: 1 variant allele.
Comment: PHKG2: PM2

NM_000294.3(PHKG2):c.454C>G (p.Arg152Gly)

Gene: PHKG2 (phosphorylase kinase catalytic subunit gamma 2; plus strand). Cytogenetic location: 16p11.2.
Variant type: single nucleotide variant.
Coding change: c.454C>G on transcript NM_000294.3 (MANE Select); coding-DNA position 454, C replaced by G.
Protein change: p.Arg152Gly; replaces arginine 152 with glycine.
Molecular consequence: missense variant.
Genome position (GRCh38, 1-based): chr16:30,753,455, C>G. VCF-style: chr16-30753455-C-G. GRCh37 (hg19) VCF-style: chr16-30764776-C-G.
Other names: c.454C>G, p.Arg152Gly (NM_001172432.2); short protein forms R152G.
Identifiers: ClinVar variation 3898345 (VCV003898345.7).